The following is an entry in ClinVar:

ClinVar aggregate classification (germline): Likely benign. Review status: criteria provided, single submitter (1 of 4 stars). 2 submissions from 2 submitters: Likely benign (1). 1 of the submissions does not count toward it. Last evaluated 2026-04-01.

Conditions:
ALX4-related disorder. Also called: ALX4-related condition.

Allele frequency attached by ClinVar (database versions not stated): ExAC 0.00001; gnomAD 0.00002; TOPMed 0.00002; gnomAD exomes 0.00003.
gnomAD v4.1: 39 of 1,604,034 alleles (0.0024%); highest among the groups gnomAD compares: Middle Eastern, 0.033%; no homozygotes.

Submissions (2):

Women's Health and Genetics/Laboratory Corporation of America, LabCorp
Classification: Likely benign. Last evaluated: 2026-04-01. Review status: criteria provided, single submitter. Criteria: LabCorp Variant Classification Summary - May 2015. Collection method: clinical testing. Allele origin: germline.

PreventionGenetics, part of Exact Sciences
Classification: Likely benign for ALX4-related condition. Last evaluated: 2019-08-01. Review status: no assertion criteria provided. Collection method: clinical testing. Allele origin: germline. Not counted in ClinVar's aggregate classification.
Comment: This variant is classified as likely benign based on ACMG/AMP sequence variant interpretation guidelines (Richards et al. 2015 PMID: 25741868, with internal and published modifications).

NM_021926.4(ALX4):c.927C>T (p.Leu309=)

Gene: ALX4 (ALX homeobox 4; minus strand). Cytogenetic location: 11p11.2.
Variant type: single nucleotide variant.
Coding change: c.927C>T on transcript NM_021926.4 (MANE Select); coding-DNA position 927, C replaced by T.
Protein change: p.Leu309=; no amino-acid change (leucine 309 retained).
Molecular consequence: synonymous variant.
Genome position (GRCh38, 1-based): chr11:44,265,163, G>A on the plus strand (C>T on the coding strand, the complement: ALX4 is on the minus strand). VCF-style: chr11-44265163-G-A. GRCh37 (hg19) VCF-style: chr11-44286713-G-A.
Identifiers: ClinVar variation 3034821 (VCV003034821.3), dbSNP rs747416406, ClinGen allele CA5955573.
Genomic context (GRCh38, chr11:44,265,163, plus strand): 5'-AGGCACCGGGTCGCAGGGGACCACGCAGGCTGGCACTGGTGAGGCAGCCCCGTTGTTGCC[G>A]AGCCAGGACGGGTTCTGAATCTGGGAGAGGAAGGGAGAGATGTCACCGGCTGGCGGGCAG-3'
Protein context (NP_068745.2, residues 299-319): NYAQIQNPSW[Leu309=]GNNGAASPVP